The following is an entry in ClinVar:

NM_022455.5(NSD1):c.1635G>A (p.Thr545=)

Gene: NSD1 (nuclear receptor binding SET domain protein 1; plus strand). Cytogenetic location: 5q35.3.
Variant type: single nucleotide variant.
Coding change: c.1635G>A on transcript NM_022455.5 (MANE Select); coding-DNA position 1635, G replaced by A.
Protein change: p.Thr545=; no amino-acid change (threonine 545 retained).
Molecular consequence: synonymous variant.
Genome position (GRCh38, 1-based): chr5:177,210,034, G>A. VCF-style: chr5-177210034-G-A. GRCh37 (hg19) VCF-style: chr5-176637035-G-A.
Other names: c.762G>A, p.Thr254= (NM_001365684.2, NM_001409306.1, NM_001409307.1 and 3 more transcripts); c.1635G>A, p.Thr545= (NM_001409301.1, NM_001409302.1, NM_001409303.1); c.1215G>A, p.Thr405= (NM_001409304.1); c.882G>A, p.Thr294= (NM_001409305.1).
Identifiers: ClinVar variation 197856 (VCV000197856.33), dbSNP rs371958844, ClinGen allele CA246236.

ClinVar aggregate classification (germline): Conflicting classifications of pathogenicity. Review status: criteria provided, conflicting classifications (1 of 4 stars). 6 submissions from 6 submitters: Uncertain significance (1); Benign (2); Likely benign (2). 1 of the submissions does not count toward it. Last evaluated 2025-11-06.

Conditions:
NSD1-related disorder. Also called: NSD1-related condition.
Inborn genetic diseases. Identifiers: MedGen C0950123, MeSH D030342.

Allele frequency attached by ClinVar (database versions not stated): gnomAD exomes 0.00002; ExAC 0.00004; ESP Exome Variant Server 0.00008; TOPMed 0.00014; gnomAD 0.00017 and 0.00021.
gnomAD v4.1: 65 of 1,613,970 alleles (0.004%); highest among the groups gnomAD compares: African/African-American, 0.069%; no homozygotes.

Submissions (6):

Labcorp Genetics (formerly Invitae), Labcorp
Classification: Benign. Last evaluated: 2025-11-06. Review status: criteria provided, single submitter. Criteria: Invitae Variant Classification Sherloc (09022015). Collection method: clinical testing. Allele origin: germline.

CeGaT Center for Human Genetics Tuebingen
Classification: Likely benign. Last evaluated: 2024-05-01. Review status: criteria provided, single submitter. Criteria: CeGaT Center For Human Genetics Tuebingen Variant Classification Criteria Version 2. Collection method: clinical testing. Allele origin: germline. Affected: yes. Observed: 1 variant allele.
Comment: NSD1: BP4, BP7

Blueprint Genetics
Classification: Likely benign. Last evaluated: 2023-01-09. Review status: criteria provided, single submitter. Criteria: ACMG Guidelines, 2015. Collection method: clinical testing. Allele origin: germline.

Ambry Genetics
Classification: Benign for Inborn genetic diseases. Last evaluated: 2019-08-01. Review status: criteria provided, single submitter. Criteria: Ambry Variant Classification Scheme 2023. Collection method: clinical testing. Allele origin: germline.

Eurofins Ntd Llc (ga)
Classification: Uncertain significance. Last evaluated: 2015-01-27. Review status: criteria provided, single submitter. Criteria: EGL Classification Definitions 2015. Collection method: clinical testing. Allele origin: germline. Observed: 1 variant allele, 1 heterozygote.

PreventionGenetics, part of Exact Sciences
Classification: Likely benign for NSD1-related condition. Last evaluated: 2022-08-02. Review status: no assertion criteria provided. Collection method: clinical testing. Allele origin: germline. Not counted in ClinVar's aggregate classification.
Comment: This variant is classified as likely benign based on ACMG/AMP sequence variant interpretation guidelines (Richards et al. 2015 PMID: 25741868, with internal and published modifications).